The following is an entry in ClinVar:

NM_007294.4(BRCA1):c.5216A>T (p.Asp1739Val)

Gene: BRCA1 (BRCA1 DNA repair associated; minus strand). Cytogenetic location: 17q21.31.
Variant type: single nucleotide variant.
Coding change: c.5216A>T on transcript NM_007294.4 (MANE Select); coding-DNA position 5216, A replaced by T.
Protein change: p.Asp1739Val; replaces aspartic acid 1739 with valine.
Molecular consequence: missense variant. On other transcripts: non-coding transcript variant (1).
Genome position (GRCh38, 1-based): chr17:43,057,113, T>A on the plus strand (A>T on the coding strand, the complement: BRCA1 is on the minus strand). VCF-style: chr17-43057113-T-A. GRCh37 (hg19) VCF-style: chr17-41209130-T-A.
Other names: c.5069A>T, p.Asp1690Val (NM_001407838.1, NM_001407839.1, NM_001407841.1 and 12 more transcripts); c.1898A>T, p.Asp633Val (NM_001408408.1, NM_001408406.1, NM_001408407.1); c.1895A>T, p.Asp632Val (NM_001408409.1); c.1832A>T, p.Asp611Val (NM_001408410.1); c.1829A>T, p.Asp610Val (NM_001408411.1); c.1826A>T, p.Asp609Val (NM_001408412.1, NM_001408413.1, NM_001408414.1 and 2 more transcripts); c.1790A>T, p.Asp597Val (NM_001408418.1, NM_001408419.1, NM_001408420.1); c.5210A>T, p.Asp1737Val (NM_001407629.1, NM_001407630.1, NM_001407631.1 and 14 more transcripts); and 72 more; short protein forms D1739V, D1692V, D635V, D1760V, D1585V, D1611V, D1649V, D1650V.
Identifiers: ClinVar variation 55466 (VCV000055466.19), dbSNP rs80357227, ClinGen allele CA003368.

ClinVar aggregate classification (germline): Pathogenic/Likely pathogenic. Review status: criteria provided, multiple submitters, no conflicts (2 of 4 stars). 6 submissions from 6 submitters: Pathogenic (1); Likely pathogenic (3). 2 of the submissions do not count toward it. Last evaluated 2022-06-28.

Conditions:
Hereditary breast ovarian cancer syndrome. Also called: BRCA1- and BRCA2-Associated Hereditary Breast and Ovarian Cancer; Hereditary breast and ovarian cancer syndrome; Hereditary breast and ovarian cancer syndrome (HBOC); Breast and ovarian cancer; Hereditary breast and/or ovarian cancer syndrome; Hereditary breast and ovarian cancer. Identifiers: Orphanet 145, MedGen C0677776, MeSH D061325, MONDO:0003582. Disease mechanism: loss of function.
Breast-ovarian cancer, familial, susceptibility to, 1 (BROVCA1). Also called: BRCA1 Hereditary Breast and Ovarian Cancer; OVARIAN CANCER, SUSCEPTIBILITY TO. Identifiers: Orphanet 145, MedGen C2676676, MONDO:0011450, OMIM 604370. Disease mechanism: loss of function.

Submissions (7):

Labcorp Genetics (formerly Invitae), Labcorp
Classification: Likely pathogenic for Hereditary breast ovarian cancer syndrome. Last evaluated: 2022-06-28. Review status: criteria provided, single submitter. Criteria: Invitae Variant Classification Sherloc (09022015). Collection method: clinical testing. Allele origin: germline.
Comment: This variant disrupts the p.Asp1739 amino acid residue in BRCA1. Other variant(s) that disrupt this residue have been determined to be pathogenic (PMID: 12827452, 15800311, 19491284, 20516115, 23867111). This suggests that this residue is clinically significant, and that variants that disrupt this residue are likely to be disease-causing. Experimental studies have shown that this missense change affects BRCA1 function (PMID: 20516115, 23867111, 28781887, 30209399, 30765603). Advanced modeling of experimental studies (such as gene expression, population dynamics, functional pathways, and cell-cycle effects in cell culture) performed at Invitae indicates that this missense variant is expected to disrupt BRCA1 protein function. ClinVar contains an entry for this variant (Variation ID: 55466). This missense change has been observed in individual(s) with stomach and ovarian cancer (PMID: 10200350). This variant is not present in population databases (gnomAD no frequency). This sequence change replaces aspartic acid, which is acidic and polar, with valine, which is neutral and non-polar, at codon 1739 of the BRCA1 protein (p.Asp1739Val). In summary, the currently available evidence indicates that the variant is pathogenic, but additional data are needed to prove that conclusively. Therefore, this variant has been classified as Likely Pathogenic.

Quest Diagnostics Nichols Institute San Juan Capistrano
Classification: Likely pathogenic. Last evaluated: 2020-03-11. Review status: criteria provided, single submitter. Criteria: Quest Diagnostics criteria. Collection method: clinical testing. Allele origin: unknown.
Comment: Not found in the total gnomAD dataset, and the data is high quality. Conflicting predictions of the effect on the protein. Located in potentially critical domain of the protein. Found in at least one patient with expected phenotype for this gene. Assessment of experimental evidence suggests this variant results in abnormal protein function.

GeneDx
Classification: Likely pathogenic. Last evaluated: 2017-04-21. Review status: criteria provided, single submitter. Criteria: GeneDx Variant Classification (06012015). Collection method: clinical testing. Allele origin: germline. Affected: yes.
Comment: This variant is denoted BRCA1 c.5216A>T at the cDNA level, p.Asp1739Val (D1739V) at the protein level, and results in the change of an Aspartic Acid to a Valine (GAT>GTT). Using alternate nomenclature, this variant would be defined as BRCA1 5335A>T. This variant has been observed in at least two ovarian cancer patients with a family history of breast and/or ovarian cancer (Laplace-Marieze 1999, Ricevuto 2001). In functional studies this variant displayed impaired structural stability, binding activity, binding specificity, protein folding, transcription activity, cisplatin response, and ability to support growth (Lee 2010, Bouwman 2013). BRCA1 Asp1739Val was not observed in large population cohorts (NHLBI Exome Sequencing Project, The 1000 Genomes Consortium 2015, Lek 2016). Since Aspartic Acid and Valine differ in polarity, charge, size or other properties, this is considered a non-conservative amino acid substitution. BRCA1 Asp1739Val occurs at a position that is conserved in mammals and is located in the region of interaction with BRCA2 and multiple other proteins (Chen 1998, Paul 2014). In silico analyses predict that this variant is probably damaging to protein structure and function. Based on currently available evidence, we consider BRCA1 Asp1739Val to be a likely pathogenic variant.

Genome Diagnostics Laboratory, University Medical Center Utrecht
Classification: Pathogenic for Breast-ovarian cancer, familial, susceptibility to, 1. Last evaluated: 2014-10-08. Review status: criteria provided, single submitter. Criteria: ACGS Guidelines, 2013. Collection method: clinical testing. Allele origin: germline. Affected: yes. Study: VKGL Data-share Consensus.

Brotman Baty Institute, University of Washington
No classification provided (evidence only). Condition: Breast-ovarian cancer, familial 1. Review status: no classification provided. Collection method: in vitro. Allele origin: not applicable. Functional consequence: functionally_abnormal. Not counted in ClinVar's aggregate classification.
ClinVar note: "not provided" was previously submitted as the classification for the variant. However, the classification appeared to be based only on an observation of functional data so it was converted to no classification on 2025-07-30.

Diagnostic Laboratory, Department of Genetics, University Medical Center Groningen
Classification: Pathogenic for Breast-ovarian cancer, familial, susceptibility to, 1. Review status: no assertion criteria provided. Collection method: clinical testing. Allele origin: germline. Affected: yes. Study: VKGL Data-share Consensus. Not counted in ClinVar's aggregate classification.

Joint Genome Diagnostic Labs from Nijmegen and Maastricht, Radboudumc and MUMC+
Classification: Pathogenic. Review status: no assertion criteria provided. Collection method: clinical testing. Allele origin: germline. Affected: yes. Study: VKGL Data-share Consensus. Not counted in ClinVar's aggregate classification.

Literature cited by the submitters: PubMed 12827452 (cited by Labcorp Genetics (formerly Invitae), Labcorp); PubMed 15800311 (cited by Labcorp Genetics (formerly Invitae), Labcorp); PubMed 19491284 (cited by Labcorp Genetics (formerly Invitae), Labcorp); PubMed 20516115 (cited by Labcorp Genetics (formerly Invitae), Labcorp and Quest Diagnostics Nichols Institute San Juan Capistrano); PubMed 23867111 (cited by Labcorp Genetics (formerly Invitae), Labcorp and Quest Diagnostics Nichols Institute San Juan Capistrano); PubMed 28781887 (cited by Labcorp Genetics (formerly Invitae), Labcorp and Quest Diagnostics Nichols Institute San Juan Capistrano); PubMed 30209399 (cited by Labcorp Genetics (formerly Invitae), Labcorp and Quest Diagnostics Nichols Institute San Juan Capistrano); PubMed 30765603 (cited by Labcorp Genetics (formerly Invitae), Labcorp and Quest Diagnostics Nichols Institute San Juan Capistrano); PubMed 10200350 (cited by Labcorp Genetics (formerly Invitae), Labcorp and Quest Diagnostics Nichols Institute San Juan Capistrano); PubMed 22469508 (cited by Quest Diagnostics Nichols Institute San Juan Capistrano); PubMed 11410501 (cited by Quest Diagnostics Nichols Institute San Juan Capistrano); PubMed 30257991 (cited by Quest Diagnostics Nichols Institute San Juan Capistrano); PubMed 31131967 (cited by Quest Diagnostics Nichols Institute San Juan Capistrano).